The following is an entry in ClinVar:

NM_006904.7(PRKDC):c.10187C>T (p.Ala3396Val)

Gene: PRKDC (protein kinase, DNA-activated, catalytic subunit; minus strand). Cytogenetic location: 8q11.21.
Variant type: single nucleotide variant.
Coding change: c.10187C>T on transcript NM_006904.7 (MANE Select); coding-DNA position 10187, C replaced by T.
Protein change: p.Ala3396Val; replaces alanine 3396 with valine.
Molecular consequence: missense variant.
Genome position (GRCh38, 1-based): chr8:47,799,320, G>A on the plus strand (C>T on the coding strand, the complement: PRKDC is on the minus strand). VCF-style: chr8-47799320-G-A. GRCh37 (hg19) VCF-style: chr8-48711881-G-A.
Other names: c.10187C>T, p.Ala3396Val (NM_001081640.2); short protein forms A3396V.
Identifiers: ClinVar variation 2497423 (VCV002497423.2), dbSNP rs2087049403, ClinGen allele CA371135366.
Genomic context (GRCh38, chr8:47,799,320, plus strand): 5'-AGCGTCATGTAAGCATCAATCACCCCAGCTGCAGGCCCACAGCTCCAGGAGGGAGGCTGG[G>A]CCTCCTCCTCAGCCGCCTGCACAGCCTCAGAGAGGTGCTGGAATGCTCTCTGGTACAGAC-3'
Protein context (NP_008835.5, residues 3386-3406): SEAVQAAEEE[Ala3396Val]QPPSWSCGPA

ClinVar aggregate classification (germline): Uncertain significance (1 of 4 stars; one submission).

Allele frequency attached by ClinVar (database versions not stated): TOPMed below 0.00001; gnomAD 0.00001.
gnomAD v4.1: 1 of 1,612,754 alleles (0.000062%); highest among the groups gnomAD compares: Admixed American, 0.0017%; no homozygotes.

Submission:

Ambry Genetics
Classification: Uncertain significance. Last evaluated: 2022-11-17. Review status: criteria provided, single submitter. Criteria: Ambry Variant Classification Scheme 2023. Collection method: clinical testing. Allele origin: germline.
Comment: The p.A3396V variant (also known as c.10187C>T), located in coding exon 72 of the PRKDC gene, results from a C to T substitution at nucleotide position 10187. The alanine at codon 3396 is replaced by valine, an amino acid with similar properties. This amino acid position is conserved. Since supporting evidence is limited at this time, the clinical significance of this alteration remains unclear.